The following is an entry in ClinVar:

NM_001846.4(COL4A2):c.4297G>C (p.Ala1433Pro)

Genes: COL4A2 (collagen type IV alpha 2 chain; plus strand), COL4A2-AS1 (COL4A2 antisense RNA 1; minus strand). Cytogenetic location: 13q34.
Variant type: single nucleotide variant.
Coding change: c.4297G>C on transcript NM_001846.4 (MANE Select); coding-DNA position 4297, G replaced by C.
Protein change: p.Ala1433Pro; replaces alanine 1433 with proline.
Molecular consequence: missense variant.
Genome position (GRCh38, 1-based): chr13:110,504,159, G>C. VCF-style: chr13-110504159-G-C. GRCh37 (hg19) VCF-style: chr13-111156506-G-C.
Other names: short protein forms A1433P.
Identifiers: ClinVar variation 4538025 (VCV004538025.2).

ClinVar aggregate classification (germline): Uncertain significance. Review status: criteria provided, multiple submitters, no conflicts (2 of 4 stars). 2 submissions from 2 submitters: Uncertain significance (2). Last evaluated 2025-06-09.

gnomAD v4.1: 2 of 1,614,038 alleles (0.00012%); highest among the groups gnomAD compares: African/African-American, 0.0027%; no homozygotes.

Submissions (2):

GeneDx
Classification: Uncertain significance. Last evaluated: 2025-06-09. Review status: criteria provided, single submitter. Criteria: GeneDx Variant Classification Process June 2021. Collection method: clinical testing. Allele origin: germline. Affected: yes.
Comment: Not observed at significant frequency in large population cohorts (gnomAD); In silico analysis suggests that this missense variant does not alter protein structure/function; Has not been previously published as pathogenic or benign to our knowledge

Labcorp Genetics (formerly Invitae), Labcorp
Classification: Uncertain significance. Last evaluated: 2025-02-11. Review status: criteria provided, single submitter. Criteria: Invitae Variant Classification Sherloc (09022015). Collection method: clinical testing. Allele origin: germline.
Comment: This sequence change replaces alanine, which is neutral and non-polar, with proline, which is neutral and non-polar, at codon 1433 of the COL4A2 protein (p.Ala1433Pro). The frequency data for this variant in the population databases is considered unreliable, as metrics indicate poor data quality at this position in the gnomAD database. This variant has not been reported in the literature in individuals affected with COL4A2-related conditions. Invitae Evidence Modeling of protein sequence and biophysical properties (such as structural, functional, and spatial information, amino acid conservation, physicochemical variation, residue mobility, and thermodynamic stability) indicates that this missense variant is not expected to disrupt COL4A2 protein function with a negative predictive value of 95%. In summary, the available evidence is currently insufficient to determine the role of this variant in disease. Therefore, it has been classified as a Variant of Uncertain Significance.